The following is an entry in ClinVar:

NM_001085487.3(MYSM1):c.610C>T (p.Arg204Cys)

Gene: MYSM1 (Myb like, SWIRM and MPN domains 1; minus strand). Cytogenetic location: 1p32.1.
Variant type: single nucleotide variant.
Coding change: c.610C>T on transcript NM_001085487.3 (MANE Select); coding-DNA position 610, C replaced by T.
Protein change: p.Arg204Cys; replaces arginine 204 with cysteine.
Molecular consequence: missense variant.
Genome position (GRCh38, 1-based): chr1:58,682,434, G>A on the plus strand (C>T on the coding strand, the complement: MYSM1 is on the minus strand). VCF-style: chr1-58682434-G-A. GRCh37 (hg19) VCF-style: chr1-59148106-G-A.
Other names: c.610C>T (NM_001085487.2); short protein forms R204C.
Identifiers: ClinVar variation 1383653 (VCV001383653.5), dbSNP rs1158945298, ClinGen allele CA340529174.

ClinVar aggregate classification (germline): Uncertain significance. Review status: criteria provided, multiple submitters, no conflicts (2 of 4 stars). 3 submissions from 3 submitters: Uncertain significance (3). Last evaluated 2025-03-26.

Conditions:
Inborn genetic diseases. Identifiers: MedGen C0950123, MeSH D030342.
MYSM1-related disorder. Also called: MYSM1-related condition.

Allele frequency attached by ClinVar (database versions not stated): 1000 Genomes Project 30x 0.00031; gnomAD exomes 0.00001 and below 0.00001; TOPMed 0.00003; gnomAD 0.00001.
gnomAD v4.1: 15 of 1,614,076 alleles (0.00093%); highest among the groups gnomAD compares: African/African-American, 0.004%; no homozygotes.

Submissions (3):

Ambry Genetics
Classification: Uncertain significance for Inborn genetic diseases. Last evaluated: 2025-03-26. Review status: criteria provided, single submitter. Criteria: Ambry Variant Classification Scheme 2023. Collection method: clinical testing. Allele origin: germline.

Labcorp Genetics (formerly Invitae), Labcorp
Classification: Uncertain significance. Last evaluated: 2024-09-05. Review status: criteria provided, single submitter. Criteria: Invitae Variant Classification Sherloc (09022015). Collection method: clinical testing. Allele origin: germline.
Comment: This sequence change replaces arginine, which is basic and polar, with cysteine, which is neutral and slightly polar, at codon 204 of the MYSM1 protein (p.Arg204Cys). This variant is present in population databases (no rsID available, gnomAD 0.003%). This variant has not been reported in the literature in individuals affected with MYSM1-related conditions. ClinVar contains an entry for this variant (Variation ID: 1383653). Invitae Evidence Modeling of protein sequence and biophysical properties (such as structural, functional, and spatial information, amino acid conservation, physicochemical variation, residue mobility, and thermodynamic stability) indicates that this missense variant is not expected to disrupt MYSM1 protein function with a negative predictive value of 80%. In summary, the available evidence is currently insufficient to determine the role of this variant in disease. Therefore, it has been classified as a Variant of Uncertain Significance.

PreventionGenetics, part of Exact Sciences
Classification: Uncertain significance for MYSM1-related condition. Last evaluated: 2022-12-29. Review status: criteria provided, single submitter. Criteria: ACMG Guidelines, 2015. Collection method: clinical testing. Allele origin: germline.
Comment: The MYSM1 c.610C>T variant is predicted to result in the amino acid substitution p.Arg204Cys. To our knowledge, this variant has not been reported in the literature. This variant is reported in 0.0033% of alleles in individuals of South Asian descent in gnomAD. At this time, the clinical significance of this variant is uncertain due to the absence of conclusive functional and genetic evidence.